The following is an entry in ClinVar:

ClinVar aggregate classification (germline): Benign (1 of 4 stars; one submission).

Conditions:
Growth delay due to insulin-like growth factor type 1 deficiency (IGF1D). Also called: GROWTH RETARDATION WITH SENSORINEURAL DEAFNESS AND MENTAL RETARDATION; IGF1 DEFICIENCY. Identifiers: Orphanet 73272, MedGen C1837475, MONDO:0012110, OMIM 608747.

Allele frequency attached by ClinVar (database versions not stated): TOPMed 0.00606; 1000 Genomes Project 0.00779; 1000 Genomes Project 30x 0.00812.

Submission:

Illumina Laboratory Services, Illumina
Classification: Benign for Growth delay due to insulin-like growth factor type 1 deficiency. Last evaluated: 2017-04-27. Review status: criteria provided, single submitter. Criteria: ICSL Variant Classification Criteria 13 December 2019. Collection method: clinical testing. Allele origin: germline.
Comment: This variant was observed as part of a predisposition screen in an ostensibly healthy population. A literature search was performed for the gene, cDNA change, and amino acid change (where applicable). No publications were found based on this search. Allele frequency data from public databases was too high to be consistent with this variant causing disease. Therefore, this variant is classified as benign.

NM_000618.5(IGF1):c.*5202T>G

Genes: LINC02456 (long intergenic non-protein coding RNA 2456; plus strand), IGF1 (insulin like growth factor 1; minus strand). Cytogenetic location: 12q23.2.
Variant type: single nucleotide variant.
Coding change: c.*5202T>G on transcript NM_000618.5 (MANE Select); 5202 bases downstream of the stop codon, T replaced by G.
Molecular consequence: 3 prime UTR variant.
Genome position (GRCh38, 1-based): chr12:102,397,305, A>C on the plus strand (T>G on the coding strand, the complement: IGF1 is on the minus strand). VCF-style: chr12-102397305-A-C. GRCh37 (hg19) VCF-style: chr12-102791083-A-C.
Other names: c.*5236T>G (NM_001111283.3); c.*5202T>G (NM_001111284.2).
Identifiers: ClinVar variation 881383 (VCV000881383.4), dbSNP rs5742711, ClinGen allele CA242628659.